The following is an entry in ClinVar:

ClinVar aggregate classification (germline): Likely benign. Review status: criteria provided, multiple submitters, no conflicts (2 of 4 stars). 4 submissions from 4 submitters: Likely benign (4). Last evaluated 2025-07-14.

Conditions:
IRF2BPL-related disorder. Also called: IRF2BPL-related condition. Identifiers: MedGen CN381093.

Submissions (4):

Mayo Clinic Laboratories, Mayo Clinic
Classification: Likely benign. Last evaluated: 2025-07-14. Review status: criteria provided, single submitter. Criteria: ACMG Guidelines, 2015. Collection method: clinical testing. Allele origin: germline. Observed: 1 variant allele.
Comment: BS1

PreventionGenetics, part of Exact Sciences
Classification: Likely benign for IRF2BPL-related condition. Last evaluated: 2025-03-07. Review status: criteria provided, single submitter. Criteria: ACMG Guidelines, 2015. Collection method: clinical testing. Allele origin: germline.
Comment: This variant is classified as likely benign based on ACMG/AMP sequence variant interpretation guidelines (Richards et al. 2015 PMID: 25741868, with internal and published modifications).

Blueprint Genetics
Classification: Likely benign. Last evaluated: 2024-11-06. Review status: criteria provided, single submitter. Criteria: ACMG Guidelines, 2015. Collection method: clinical testing. Allele origin: germline.

CeGaT Center for Human Genetics Tuebingen
Classification: Likely benign. Last evaluated: 2024-06-01. Review status: criteria provided, single submitter. Criteria: CeGaT Center For Human Genetics Tuebingen Variant Classification Criteria Version 2. Collection method: clinical testing. Allele origin: germline. Affected: yes. Observed: 4 variant alleles.
Comment: IRF2BPL: BS1

NM_024496.4(IRF2BPL):c.483_491del (p.Ala162_Ala164del)

Gene: IRF2BPL (interferon regulatory factor 2 binding protein like; minus strand). Cytogenetic location: 14q24.3.
Variant type: Deletion.
Coding change: c.483_491del on transcript NM_024496.4 (MANE Select); coding-DNA positions 483 to 491, 9 bases deleted (CGCCGCTGC; older notation c.483_491delCGCCGCTGC).
Protein change: p.Ala162_Ala164del.
Molecular consequence: inframe deletion.
Genome position (GRCh38, 1-based): chr14:77,027,302-77,027,310, GCAGCGGCG deleted on the plus strand (CGCCGCTGC on the coding strand, the reverse complement: IRF2BPL is on the minus strand); deleting any 9 consecutive bases within chr14:77,027,302-77,027,312 gives the same sequence; the c. name uses the placement nearest the transcript's 3' end. VCF-style (leftmost placement, unchanged base first): chr14-77027301-CGCAGCGGCG-C. GRCh37 (hg19) VCF-style: chr14-77493644-CGCAGCGGCG-C.
Other names: p.Ala162_Ala164del; c.483_491del9 (NM_024496.3).
Identifiers: ClinVar variation 2644399 (VCV002644399.27), dbSNP rs747352981, ClinGen allele CA7283933.